The following is an entry in ClinVar:

NM_020911.2(PLXNA4):c.1372-86990G>A

Gene: PLXNA4 (plexin A4; minus strand). Cytogenetic location: 7q32.3.
Variant type: single nucleotide variant.
Coding change: c.1372-86990G>A on transcript NM_020911.2 (MANE Select); 86990 bases into the intron before coding-DNA position 1372, G replaced by A.
Molecular consequence: intron variant. On other transcripts: synonymous variant (1).
Genome position (GRCh38, 1-based): chr7:132,385,212, C>T on the plus strand (G>A on the coding strand, the complement: PLXNA4 is on the minus strand). VCF-style: chr7-132385212-C-T. GRCh37 (hg19) VCF-style: chr7-132069971-C-T.
Other names: c.1455G>A, p.Leu485= (NM_001105543.2); c.1372-86990G>A (NM_001393897.1).
Identifiers: ClinVar variation 3048000 (VCV003048000.2), dbSNP rs766500721, ClinGen allele CA4490186.
Genomic context (GRCh38, chr7:132,385,212, plus strand): 5'-CACACTAAATAAGCCTACACAGCTCTGAAGTTTTTCTCAGTTTGATGAACAGCTGGAGAA[C>T]AGGAGTTCCAGAGTCACTGTTGCTCTGTGGGATCGGGGTCCCGTCTGTAGCTCAAGGGTA-3'

ClinVar aggregate classification (germline): Likely benign (0 of 4 stars; one submission).

Conditions:
PLXNA4-related disorder. Also called: PLXNA4-related condition.

Allele frequency attached by ClinVar (database versions not stated): ExAC 0.00001; gnomAD 0.00002; TOPMed 0.00002; gnomAD exomes 0.00003.
gnomAD v4.1: 47 of 1,613,906 alleles (0.0029%); highest among the groups gnomAD compares: Non-Finnish European, 0.0038%; no homozygotes.

Submission:

PreventionGenetics, part of Exact Sciences
Classification: Likely benign for PLXNA4-related condition. Last evaluated: 2022-03-23. Review status: no assertion criteria provided. Collection method: clinical testing. Allele origin: germline.
Comment: This variant is classified as likely benign based on ACMG/AMP sequence variant interpretation guidelines (Richards et al. 2015 PMID: 25741868, with internal and published modifications).